The following is an entry in ClinVar:

NM_031935.3(HMCN1):c.8777G>A (p.Arg2926Gln)

Gene: HMCN1 (hemicentin 1; plus strand). Cytogenetic location: 1q31.1.
Variant type: single nucleotide variant.
Coding change: c.8777G>A on transcript NM_031935.3 (MANE Select); coding-DNA position 8777, G replaced by A.
Protein change: p.Arg2926Gln; replaces arginine 2926 with glutamine.
Molecular consequence: missense variant.
Genome position (GRCh38, 1-based): chr1:186,081,384, G>A. VCF-style: chr1-186081384-G-A. GRCh37 (hg19) VCF-style: chr1-186050516-G-A.
Other names: short protein forms R2926Q.
Identifiers: ClinVar variation 1514852 (VCV001514852.5), dbSNP rs377760099, ClinGen allele CA1293208.

ClinVar aggregate classification (germline): Uncertain significance (1 of 4 stars; one submission).

Allele frequency attached by ClinVar (database versions not stated): ExAC 0.00001; gnomAD 0.00001 and 0.00002; TOPMed 0.00004; ESP Exome Variant Server 0.00008.
gnomAD v4.1: 124 of 1,609,764 alleles (0.0077%); highest among the groups gnomAD compares: Non-Finnish European, 0.0099%; no homozygotes.

Submission:

Labcorp Genetics (formerly Invitae), Labcorp
Classification: Uncertain significance. Last evaluated: 2023-10-24. Review status: criteria provided, single submitter. Criteria: Invitae Variant Classification Sherloc (09022015). Collection method: clinical testing. Allele origin: germline.
Comment: This sequence change replaces arginine, which is basic and polar, with glutamine, which is neutral and polar, at codon 2926 of the HMCN1 protein (p.Arg2926Gln). This variant is present in population databases (rs377760099, gnomAD 0.005%). This variant has not been reported in the literature in individuals affected with HMCN1-related conditions. ClinVar contains an entry for this variant (Variation ID: 1514852). An algorithm developed to predict the effect of missense changes on protein structure and function (PolyPhen-2) suggests that this variant is likely to be disruptive. In summary, the available evidence is currently insufficient to determine the role of this variant in disease. Therefore, it has been classified as a Variant of Uncertain Significance.